The following is an entry in ClinVar:

ClinVar aggregate classification (germline): Conflicting classifications of pathogenicity. Review status: criteria provided, conflicting classifications (1 of 4 stars). 2 submissions from 2 submitters: Likely pathogenic (1); Uncertain significance (1). Last evaluated 2026-03-03.

Conditions:
Ciliary dyskinesia, primary, 44. Also called: CILIARY DYSKINESIA, PRIMARY, 44, WITHOUT SITUS INVERSUS. Identifiers: MedGen C5394063, MONDO:0032914, OMIM 618781.

Submissions (2):

GeneDx
Classification: Uncertain significance. Last evaluated: 2026-03-03. Review status: criteria provided, single submitter. Criteria: GeneDx Variant Classification Process June 2021. Collection method: clinical testing. Allele origin: germline.
Comment: Nonsense variant predicted to result in protein truncation or nonsense mediated decay in a gene for which loss of function is a known mechanism of disease; Has not been previously published as pathogenic or benign to our knowledge

First Genomix Gene Laboratory, Genetic Diagnostics Department
Classification: Likely pathogenic for Ciliary dyskinesia, primary, 44. Last evaluated: 2025-11-13. Review status: criteria provided, single submitter. Criteria: ACMG Guidelines, 2015. Collection method: clinical testing. Allele origin: germline. Inheritance: Autosomal recessive inheritance. Affected: no. Observed: 1 variant allele.

NM_001394966.1(NEK10):c.975_976insTGAGAAT (p.Val326Ter)

Gene: NEK10 (NIMA related kinase 10; minus strand). Cytogenetic location: 3p24.1.
Variant type: Insertion.
Coding change: c.975_976insTGAGAAT on transcript NM_001394966.1 (MANE Select); coding-DNA positions 975 to 976, TGAGAAT inserted.
Protein change: p.Val326Ter; replaces valine 326 with a stop codon.
Molecular consequence: nonsense.
Genome position: GRCh38 VCF-style: chr3-27304799-C-CATTCTCA. GRCh37 (hg19) VCF-style: chr3-27346290-C-CATTCTCA.
Other names: c.975_976insTGAGAAT, p.Val326Ter (NM_001394963.1, NM_001394965.1, NM_001394968.1 and 4 more transcripts); c.888_889insTGAGAAT, p.Val297Ter (NM_001394964.1, NM_001394967.1, NM_001394969.1); c.975_976insTGAGAAT (NM_199347.3); short protein forms V297*, V326*.
Identifiers: ClinVar variation 4849299 (VCV004849299.2).